The following is an entry in ClinVar:

NM_205768.3(ZBTB18):c.1295A>G (p.Tyr432Cys)

Gene: ZBTB18 (zinc finger and BTB domain containing 18; plus strand). Cytogenetic location: 1q44.
Variant type: single nucleotide variant.
Coding change: c.1295A>G on transcript NM_205768.3 (MANE Select); coding-DNA position 1295, A replaced by G.
Protein change: p.Tyr432Cys; replaces tyrosine 432 with cysteine.
Molecular consequence: missense variant. On other transcripts: 3 prime UTR variant (1).
Genome position (GRCh38, 1-based): chr1:244,055,069, A>G. VCF-style: chr1-244055069-A-G. GRCh37 (hg19) VCF-style: chr1-244218371-A-G.
Other names: c.1268A>G, p.Tyr423Cys (NM_001278196.2, NM_006352.5); c.*472A>G (NM_001421566.1); short protein forms Y423C, Y432C.
Identifiers: ClinVar variation 4076334 (VCV004076334.1).

ClinVar aggregate classification (germline): Uncertain significance (1 of 4 stars; one submission).

Conditions:
Intellectual developmental disorder, autosomal dominant 22. Also called: Intellectual disability, autosomal dominant 22. Identifiers: MedGen CN029689, MONDO:0012869, OMIM 612337.

Submission:

Laboratorio de Genetica e Diagnostico Molecular, Hospital Israelita Albert Einstein
Classification: Uncertain significance for Intellectual developmental disorder, autosomal dominant 22. Last evaluated: 2024-08-06. Review status: criteria provided, single submitter. Criteria: ACMG Guidelines, 2015. Collection method: clinical testing. Allele origin: germline. Affected: yes.
Comment: ACMG classification criteria: PM2 supporting, PP2 supporting